The following is an entry in ClinVar:

ClinVar aggregate classification (germline): Likely pathogenic (1 of 4 stars; one submission).

Conditions:
Microcephaly 5, primary, autosomal recessive (MCPH5). Also called: ASPM Primary Microcephaly. Identifiers: Orphanet 2512, MedGen C1837501, MONDO:0012106, OMIM 608716.

Submission:

Juno Genomics, Hangzhou Juno Genomics, Inc
Classification: Likely pathogenic for Microcephaly 5, primary, autosomal recessive. Review status: criteria provided, single submitter. Criteria: ACMG Guidelines, 2015. Collection method: clinical testing. Allele origin: germline. Affected: yes.
Comment: Absent from controls (or at extremely low frequency if recessive) in Genome Aggregation Database, Exome Sequencing Project, 1000 Genomes Project, or Exome Aggregation Consortium.;Null variant in a gene where loss of function (LOF) is a known mechanism of disease.

NM_018136.5(ASPM):c.7850dup (p.Gln2620fs)

Gene: ASPM (assembly factor for spindle microtubules; minus strand). Cytogenetic location: 1q31.3.
Variant type: Duplication.
Coding change: c.7850dup on transcript NM_018136.5 (MANE Select); coding-DNA position 7850, one base duplicated (T; older notation c.7850dupT).
Protein change: p.Gln2620fs; shifts the reading frame from glutamine 2620.
Molecular consequence: frameshift variant. On other transcripts: intron variant (1).
Genome position (GRCh38, 1-based): chr1:197,101,401, A duplicated on the plus strand (T on the coding strand, the reverse complement: ASPM is on the minus strand). VCF-style (leftmost placement, unchanged base first): chr1-197101400-T-TA. GRCh37 (hg19) VCF-style: chr1-197070530-T-TA.
Other names: c.4066-5237dup (NM_001206846.2); short protein forms Q2620fs.
Identifiers: ClinVar variation 3381868 (VCV003381868.2).